The following is an entry in ClinVar:

ClinVar aggregate classification (germline): Uncertain significance (1 of 4 stars; one submission).

Conditions:
Familial thoracic aortic aneurysm and aortic dissection (TAAD). Also called: Thoracic aortic aneurysms and dissections. Identifiers: Orphanet 91387, MedGen C4707243, MONDO:0019625.

gnomAD v4.1: 1 of 1,614,286 alleles (0.000062%); highest among the groups gnomAD compares: Non-Finnish European, 0.000085%; no homozygotes.

Submission:

Ambry Genetics
Classification: Uncertain significance for Familial thoracic aortic aneurysm and aortic dissection. Last evaluated: 2026-05-14. Review status: criteria provided, single submitter. Criteria: Ambry Variant Classification Scheme 2023. Collection method: clinical testing. Allele origin: germline.
Comment: The p.H377N variant (also known as c.1129C>A), located in coding exon 2 of the SLC2A10 gene, results from a C to A substitution at nucleotide position 1129. The histidine at codon 377 is replaced by asparagine, an amino acid with similar properties. This amino acid position is conserved. In addition, this alteration is predicted to be tolerated by in silico analysis. Based on the available evidence, the clinical significance of this variant remains unclear.

NM_030777.4(SLC2A10):c.1129C>A (p.His377Asn)

Gene: SLC2A10 (solute carrier family 2 member 10; plus strand). Cytogenetic location: 20q13.12.
Variant type: single nucleotide variant.
Coding change: c.1129C>A on transcript NM_030777.4 (MANE Select); coding-DNA position 1129, C replaced by A.
Protein change: p.His377Asn; replaces histidine 377 with asparagine.
Molecular consequence: missense variant.
Genome position (GRCh38, 1-based): chr20:46,726,165, C>A. VCF-style: chr20-46726165-C-A. GRCh37 (hg19) VCF-style: chr20-45354804-C-A.
Other names: short protein forms H377N.
Identifiers: ClinVar variation 4864601 (VCV004864601.1).